The following is an entry in ClinVar:

ClinVar aggregate classification (germline): Benign. Review status: criteria provided, single submitter (1 of 4 stars). 2 submissions from 2 submitters: Benign (1). 1 of the submissions does not count toward it. Last evaluated 2025-04-09.

Conditions:
NRAP-related disorder. Also called: NRAP-related condition.

Submissions (2):

Molecular Diagnostic Laboratory for Inherited Cardiovascular Disease, Montreal Heart Institute
Classification: Benign. Last evaluated: 2025-04-09. Review status: criteria provided, single submitter. Criteria: ACMG Guidelines, 2015. Collection method: clinical testing. Allele origin: germline. Affected: no.

PreventionGenetics, part of Exact Sciences
Classification: Benign for NRAP-related condition. Last evaluated: 2019-02-20. Review status: no assertion criteria provided. Collection method: clinical testing. Allele origin: germline. Not counted in ClinVar's aggregate classification.
Comment: This variant is classified as benign based on ACMG/AMP sequence variant interpretation guidelines (Richards et al. 2015 PMID: 25741868, with internal and published modifications).

NM_198060.4(NRAP):c.1110+3_1110+6dup

Gene: NRAP (nebulin related anchoring protein; minus strand). Cytogenetic location: 10q25.3.
Variant type: Duplication.
Coding change: c.1110+3_1110+6dup on transcript NM_198060.4 (MANE Select); bases 3 to 6 of the intron after coding-DNA position 1110, 4 bases duplicated (GCGT; older notation c.1110+3_1110+6dupGCGT).
Molecular consequence: splice donor variant.
Genome position (GRCh38, 1-based): chr10:113,645,819-113,645,822, ACGC duplicated on the plus strand (GCGT on the coding strand, the reverse complement: NRAP is on the minus strand); duplicating any 4 consecutive bases within chr10:113,645,819-113,645,824 gives the same sequence; the c. name uses the placement nearest the transcript's 3' end. VCF-style (leftmost placement, unchanged base first): chr10-113645818-T-TACGC. GRCh37 (hg19) VCF-style: chr10-115405577-T-TACGC.
Other names: c.1110+3_1110+6dup (NM_006175.5, NM_001322945.2, NM_001261463.2 and 1 more transcripts).
Identifiers: ClinVar variation 3034433 (VCV003034433.3), dbSNP rs139652749, ClinGen allele CA5695670.
Genomic context (GRCh38, chr10:113,645,818, plus strand): 5'-CTCATTCACTGACTATAGGAGATAAAAGAGGTGATGCTCATGGGTGTGACTCTTCCCCCA[T>TACGC]ACGCACCTCACTCACGAGTTTGTTTACGCTCTGAGCCTGTTTGAGAACCAAGTTGTCTTG-3'